The following is an entry in ClinVar:

NM_000214.3(JAG1):c.1666G>T (p.Glu556Ter)

Gene: JAG1 (jagged canonical Notch ligand 1; minus strand). Cytogenetic location: 20p12.2.
Variant type: single nucleotide variant.
Coding change: c.1666G>T on transcript NM_000214.3 (MANE Select); coding-DNA position 1666, G replaced by T.
Protein change: p.Glu556Ter; replaces glutamic acid 556 with a stop codon.
Molecular consequence: nonsense.
Genome position (GRCh38, 1-based): chr20:10,648,014, C>A on the plus strand (G>T on the coding strand, the complement: JAG1 is on the minus strand). VCF-style: chr20-10648014-C-A. GRCh37 (hg19) VCF-style: chr20-10628662-C-A.
Other names: short protein forms E556*.
Identifiers: ClinVar variation 1455702 (VCV001455702.7), dbSNP rs2122607723, ClinGen allele CA408236819.

ClinVar aggregate classification (germline): Pathogenic. Review status: criteria provided, single submitter (1 of 4 stars). 2 submissions from 2 submitters: Pathogenic (1). 1 of the submissions does not count toward it. Last evaluated 2021-08-11.

Conditions:
Alagille syndrome due to a JAG1 point mutation. Also called: HEPATIC DUCTULAR HYPOPLASIA, SYNDROMATIC; Alagille Syndrome 1; JAG1-Related Alagille Syndrome. Identifiers: Orphanet 261619, Orphanet 52, MedGen C1956125, MONDO:0016862, OMIM 118450.
Charcot-Marie-Tooth disease, axonal, Type 2HH. Also called: CHARCOT-MARIE-TOOTH NEUROPATHY, TYPE 2HH. Identifiers: MedGen C5562003, MONDO:0030458, OMIM 619574.

Submissions (2):

Labcorp Genetics (formerly Invitae), Labcorp
Classification: Pathogenic for Alagille syndrome due to a JAG1 point mutation. Last evaluated: 2021-08-11. Review status: criteria provided, single submitter. Criteria: Invitae Variant Classification Sherloc (09022015). Collection method: clinical testing. Allele origin: germline.
Comment: This sequence change creates a premature translational stop signal (p.Glu556*) in the JAG1 gene. It is expected to result in an absent or disrupted protein product. Loss-of-function variants in JAG1 are known to be pathogenic (PMID: 11180599). This variant is not present in population databases (ExAC no frequency). This variant has not been reported in the literature in individuals affected with JAG1-related conditions. For these reasons, this variant has been classified as Pathogenic.

Next Generation Genetic Polyclinic
Classification: Pathogenic for Charcot-Marie-Tooth disease, axonal, Type 2HH. Review status: no assertion criteria provided. Collection method: clinical testing. Allele origin: de novo. Affected: yes. Not counted in ClinVar's aggregate classification.

Literature cited by the submitters: PubMed 11180599 (cited by Labcorp Genetics (formerly Invitae), Labcorp).